The following is an entry in ClinVar:

ClinVar aggregate classification (germline): Uncertain significance (1 of 4 stars; one submission).

Conditions:
Wilson disease (WND). Also called: Wilson's disease. Identifiers: Orphanet 905, MedGen C0019202, MONDO:0010200, OMIM 277900. Disease mechanism: loss of function.

Submission:

Labcorp Genetics (formerly Invitae), Labcorp
Classification: Uncertain significance for Wilson disease. Last evaluated: 2023-12-06. Review status: criteria provided, single submitter. Criteria: Invitae Variant Classification Sherloc (09022015). Collection method: clinical testing. Allele origin: germline.
Comment: This variant, c.163_165del, results in the deletion of 1 amino acid(s) of the ATP7B protein (p.Ser55del), but otherwise preserves the integrity of the reading frame. This variant is not present in population databases (gnomAD no frequency). This variant has not been reported in the literature in individuals affected with ATP7B-related conditions. Experimental studies and prediction algorithms are not available or were not evaluated, and the functional significance of this variant is currently unknown. In summary, the available evidence is currently insufficient to determine the role of this variant in disease. Therefore, it has been classified as a Variant of Uncertain Significance.

NM_000053.4(ATP7B):c.160TCT[1] (p.Ser55del)

Gene: ATP7B (ATPase copper transporting beta; minus strand). Cytogenetic location: 13q14.3.
Variant type: Microsatellite.
Coding change: c.160TCT[1] on transcript NM_000053.4 (MANE Select); one copy of the 3-base unit TCT starting at c.160; the reference has two copies in a row; one copy, 3 bases deleted.
Protein change: p.Ser55del; deletes serine 55.
Molecular consequence: inframe deletion. On other transcripts: inframe indel (36).
Genome position (GRCh38, 1-based): chr13:51,975,055-51,975,057, AGA deleted on the plus strand (TCT on the coding strand, the reverse complement: ATP7B is on the minus strand); deleting any 3 consecutive bases within chr13:51,975,055-51,975,062 gives the same sequence; the position shown is the placement nearest the transcript's 3' end. VCF-style (leftmost placement, unchanged base first): chr13-51975054-GAGA-G. GRCh37 (hg19) VCF-style: chr13-52549190-GAGA-G.
Other names: c.158_160CTT[1], p.Ser55del (NM_001406540.1, NM_001406541.1, NM_001406542.1 and 26 more transcripts); c.62_64CTT[1], p.Ser23del (NM_001406543.1, NM_001406544.1, NM_001406517.1 and 4 more transcripts); c.160TCT[1], p.Ser55del (NM_001005918.3, NM_001243182.2, NM_001330578.2 and 1 more transcripts); short protein forms S55del, S23del.
Identifiers: ClinVar variation 1990842 (VCV001990842.4), dbSNP rs1427436417, ClinGen allele CA698886922.